The following is an entry in ClinVar:

NM_006914.4(RORB):c.243G>T (p.Lys81Asn)

Gene: RORB (RAR related orphan receptor B; plus strand). Cytogenetic location: 9q21.13.
Variant type: single nucleotide variant.
Coding change: c.243G>T on transcript NM_006914.4 (MANE Select); coding-DNA position 243, G replaced by T.
Protein change: p.Lys81Asn; replaces lysine 81 with asparagine.
Molecular consequence: missense variant.
Genome position (GRCh38, 1-based): chr9:74,642,421, G>T. VCF-style: chr9-74642421-G-T. GRCh37 (hg19) VCF-style: chr9-77257337-G-T.
Other names: c.276G>T, p.Lys92Asn (NM_001365023.1); short protein forms K81N, K92N.
Identifiers: ClinVar variation 2015212 (VCV002015212.4), dbSNP rs1320996639, ClinGen allele CA373769417.
Genomic context (GRCh38, chr9:74,642,421, plus strand): 5'-TTAACGCGAATGATAACCACAAGTGCTGTTTTCTGCTTTTCTCTCCAACCCAGCTGTGAA[G>T]TTTGGGAGGATGTCCAAGAAGCAAAGGGACAGCCTGTATGCTGAGGTGCAGAAGCACCAG-3'
Protein context (NP_008845.2, residues 71-91): LALGMSRDAV[Lys81Asn]FGRMSKKQRD

ClinVar aggregate classification (germline): Uncertain significance (1 of 4 stars; one submission).

Submission:

Labcorp Genetics (formerly Invitae), Labcorp
Classification: Uncertain significance. Last evaluated: 2022-07-08. Review status: criteria provided, single submitter. Criteria: Invitae Variant Classification Sherloc (09022015). Collection method: clinical testing. Allele origin: germline.
Comment: In summary, the available evidence is currently insufficient to determine the role of this variant in disease. Therefore, it has been classified as a Variant of Uncertain Significance. Algorithms developed to predict the effect of missense changes on protein structure and function are either unavailable or do not agree on the potential impact of this missense change (SIFT: "Deleterious"; PolyPhen-2: "Probably Damaging"; Align-GVGD: "Class C0"). This missense change has been observed in individual(s) with clinical features of RORB-related conditions (Invitae). This variant is not present in population databases (gnomAD no frequency). This sequence change replaces lysine, which is basic and polar, with asparagine, which is neutral and polar, at codon 81 of the RORB protein (p.Lys81Asn).